The following is an entry in ClinVar:

ClinVar aggregate classification (germline): Uncertain significance (1 of 4 stars; one submission).

Conditions:
CEP290-related disorder. Also called: CEP290-related disorders; CEP290-related condition. Identifiers: MedGen CN239314.

gnomAD v4.1: 2 of 1,499,486 alleles (0.00013%); highest among the groups gnomAD compares: Non-Finnish European, 0.00018%; no homozygotes.

Submission:

PreventionGenetics, part of Exact Sciences
Classification: Uncertain significance for CEP290-related condition. Last evaluated: 2024-11-15. Review status: criteria provided, single submitter. Criteria: ACMG Guidelines, 2015. Collection method: clinical testing. Allele origin: germline.
Comment: The CEP290 c.5447C>T variant is predicted to result in the amino acid substitution p.Thr1816Ile. To our knowledge, this variant has not been reported in the literature or in a large population database (gnomAD), indicating this variant is rare. At this time, the clinical significance of this variant is uncertain due to the absence of conclusive functional and genetic evidence.

NM_025114.4(CEP290):c.5447C>T (p.Thr1816Ile)

Gene: CEP290 (centrosomal protein 290; minus strand). Cytogenetic location: 12q21.32.
Variant type: single nucleotide variant.
Coding change: c.5447C>T on transcript NM_025114.4 (MANE Select); coding-DNA position 5447, C replaced by T.
Protein change: p.Thr1816Ile; replaces threonine 1816 with isoleucine.
Molecular consequence: missense variant.
Genome position (GRCh38, 1-based): chr12:88,077,836, G>A on the plus strand (C>T on the coding strand, the complement: CEP290 is on the minus strand). VCF-style: chr12-88077836-G-A. GRCh37 (hg19) VCF-style: chr12-88471613-G-A.
Other names: short protein forms T1816I.
Identifiers: ClinVar variation 4998537 (VCV004998537.1).